The following is an entry in ClinVar:

ClinVar aggregate classification (germline): Conflicting classifications of pathogenicity. Review status: criteria provided, conflicting classifications (1 of 4 stars). 2 submissions from 2 submitters: Uncertain significance (1); Likely benign (1). Last evaluated 2025-10-09.

Allele frequency attached by ClinVar (database versions not stated): ExAC 0.00009; ESP Exome Variant Server 0.00017.
gnomAD v4.1: 193 of 1,606,188 alleles (0.012%); highest among the groups gnomAD compares: Non-Finnish European, 0.016%; no homozygotes.

Submissions (2):

Labcorp Genetics (formerly Invitae), Labcorp
Classification: Likely benign. Last evaluated: 2025-10-09. Review status: criteria provided, single submitter. Criteria: Invitae Variant Classification Sherloc (09022015). Collection method: clinical testing. Allele origin: germline.

GeneDx
Classification: Uncertain significance. Last evaluated: 2025-01-31. Review status: criteria provided, single submitter. Criteria: GeneDx Variant Classification Process June 2021. Collection method: clinical testing. Allele origin: germline. Affected: yes.
Comment: Has not been previously published as pathogenic or benign to our knowledge; In silico analysis suggests this variant may impact gene splicing. In the absence of RNA/functional studies, the actual effect of this sequence change is unknown

NM_153365.3(TAPT1):c.741C>G (p.Leu247=)

Gene: TAPT1 (transmembrane anterior posterior transformation 1; minus strand). Cytogenetic location: 4p15.32.
Variant type: single nucleotide variant.
Coding change: c.741C>G on transcript NM_153365.3 (MANE Select); coding-DNA position 741, C replaced by G.
Protein change: p.Leu247=; no amino-acid change (leucine 247 retained).
Molecular consequence: synonymous variant.
Genome position (GRCh38, 1-based): chr4:16,188,227, G>C on the plus strand (C>G on the coding strand, the complement: TAPT1 is on the minus strand). VCF-style: chr4-16188227-G-C. GRCh37 (hg19) VCF-style: chr4-16189850-G-C.
Other names: c.741C>G (NM_153365.2).
Identifiers: ClinVar variation 1088247 (VCV001088247.10), dbSNP rs368157416, ClinGen allele CA2867464.